The following is an entry in ClinVar:

NM_018344.6(SLC29A3):c.915G>A (p.Thr305=)

Gene: SLC29A3 (solute carrier family 29 member 3; plus strand). Cytogenetic location: 10q22.1.
Variant type: single nucleotide variant.
Coding change: c.915G>A on transcript NM_018344.6 (MANE Select); coding-DNA position 915, G replaced by A.
Protein change: p.Thr305=; no amino-acid change (threonine 305 retained).
Molecular consequence: synonymous variant. On other transcripts: 3 prime UTR variant (1), non-coding transcript variant (2).
Genome position (GRCh38, 1-based): chr10:71,362,095, G>A. VCF-style: chr10-71362095-G-A. GRCh37 (hg19) VCF-style: chr10-73121852-G-A.
Other names: c.*144G>A (NM_001174098.2); c.681G>A, p.Thr227= (NM_001363518.2).
Identifiers: ClinVar variation 1956727 (VCV001956727.30), dbSNP rs1046944911, ClinGen allele CA209387814.

ClinVar aggregate classification (germline): Likely benign. Review status: criteria provided, multiple submitters, no conflicts (2 of 4 stars). 3 submissions from 3 submitters: Likely benign (3). Last evaluated 2025-11-10.

Conditions:
H syndrome. Also called: Histiocytosis with joint contractures and sensorineural deafness; Pigmented hypertrichosis and insulin-dependent diabetes mellitus; HISTIOCYTOSIS AND LYMPHADENOPATHY WITH OR WITHOUT CUTANEOUS, CARDIAC, AND/OR ENDOCRINE FEATURES, JOINT CONTRACTURES, AND/OR DEAFNESS; HYPERPIGMENTATION, CUTANEOUS, WITH HYPERTRICHOSIS, HEPATOSPLENOMEGALY, HEART ANOMALIES, AND HYPOGONADISM WITH OR WITHOUT HEARING LOSS; PIGMENTED HYPERTRICHOSIS WITH INSULIN-DEPENDENT DIABETES MELLITUS; ROSAI-DORFMAN DISEASE, FAMILIAL. Identifiers: Orphanet 168569, MedGen C1864445, MONDO:0011273, OMIM 602782.

Allele frequency attached by ClinVar (database versions not stated): gnomAD exomes 0.00001.
gnomAD v4.1: 10 of 1,613,868 alleles (0.00062%); highest among the groups gnomAD compares: East Asian, 0.0022%; no homozygotes.

Submissions (3):

Labcorp Genetics (formerly Invitae), Labcorp
Classification: Likely benign for H syndrome. Last evaluated: 2025-11-10. Review status: criteria provided, single submitter. Criteria: Invitae Variant Classification Sherloc (09022015). Collection method: clinical testing. Allele origin: germline.

Blueprint Genetics
Classification: Likely benign. Last evaluated: 2024-09-17. Review status: criteria provided, single submitter. Criteria: ACMG Guidelines, 2015. Collection method: clinical testing. Allele origin: germline.

CeGaT Center for Human Genetics Tuebingen
Classification: Likely benign. Last evaluated: 2022-11-01. Review status: criteria provided, single submitter. Criteria: CeGaT Center For Human Genetics Tuebingen Variant Classification Criteria Version 2. Collection method: clinical testing. Allele origin: germline. Affected: yes. Observed: 1 variant allele.
Comment: SLC29A3: BP4, BP7